The following is an entry in ClinVar:

ClinVar aggregate classification (germline): Uncertain significance. Review status: criteria provided, multiple submitters, no conflicts (2 of 4 stars). 3 submissions from 3 submitters: Uncertain significance (3). Last evaluated 2024-03-22.

Conditions:
Familial hemophagocytic lymphohistiocytosis 3 (FHL3). Also called: UNC13D-Related Familial Hemophagocytic Lymphohistiocytosis (UNC13D-fHLH). Identifiers: Orphanet 540, MedGen C1837174, MONDO:0012146, OMIM 608898.

Allele frequency attached by ClinVar (database versions not stated): gnomAD exomes 0.00002 and 0.00013; gnomAD 0.00003; ESP Exome Variant Server 0.00008; TOPMed 0.00010; ExAC 0.00026.
gnomAD v4.1: 38 of 1,593,556 alleles (0.0024%); highest among the groups gnomAD compares: Admixed American, 0.049%; no homozygotes.

Submissions (3):

GeneDx
Classification: Uncertain significance. Last evaluated: 2024-03-22. Review status: criteria provided, single submitter. Criteria: GeneDx Variant Classification Process June 2021. Collection method: clinical testing. Allele origin: germline. Affected: yes.
Comment: Reported as a heterozygous variant in a patient with bilineage autoimmune cytopenia and hypogammaglobulinemia (PMID: 35058929); In silico analysis supports that this missense variant has a deleterious effect on protein structure/function; This variant is associated with the following publications: (PMID: 35058929)

Labcorp Genetics (formerly Invitae), Labcorp
Classification: Uncertain significance for Familial hemophagocytic lymphohistiocytosis 3. Last evaluated: 2022-06-19. Review status: criteria provided, single submitter. Criteria: Invitae Variant Classification Sherloc (09022015). Collection method: clinical testing. Allele origin: germline.
Comment: This sequence change replaces arginine, which is basic and polar, with tryptophan, which is neutral and slightly polar, at codon 1075 of the UNC13D protein (p.Arg1075Trp). This variant is present in population databases (rs370710344, gnomAD 0.08%). This variant has not been reported in the literature in individuals affected with UNC13D-related conditions. ClinVar contains an entry for this variant (Variation ID: 325242). Algorithms developed to predict the effect of missense changes on protein structure and function are either unavailable or do not agree on the potential impact of this missense change (SIFT: "Not Available"; PolyPhen-2: "Probably Damaging"; Align-GVGD: "Not Available"). In summary, the available evidence is currently insufficient to determine the role of this variant in disease. Therefore, it has been classified as a Variant of Uncertain Significance.

Illumina Laboratory Services, Illumina
Classification: Uncertain significance for Familial hemophagocytic lymphohistiocytosis 3. Last evaluated: 2018-01-12. Review status: criteria provided, single submitter. Criteria: ICSL Variant Classification Criteria 13 December 2019. Collection method: clinical testing. Allele origin: germline.

NM_199242.3(UNC13D):c.3223C>T (p.Arg1075Trp)

Gene: UNC13D (unc-13 homolog D; minus strand). Cytogenetic location: 17q25.1.
Variant type: single nucleotide variant.
Coding change: c.3223C>T on transcript NM_199242.3 (MANE Select); coding-DNA position 3223, C replaced by T.
Protein change: p.Arg1075Trp; replaces arginine 1075 with tryptophan.
Molecular consequence: missense variant.
Genome position (GRCh38, 1-based): chr17:75,828,015, G>A on the plus strand (C>T on the coding strand, the complement: UNC13D is on the minus strand). VCF-style: chr17-75828015-G-A. GRCh37 (hg19) VCF-style: chr17-73824096-G-A.
Other names: short protein forms R1075W.
Identifiers: ClinVar variation 325242 (VCV000325242.11), dbSNP rs370710344, ClinGen allele CA8772223.